The following is an entry in ClinVar:

NM_152490.5(B3GALNT2):c.1089C>T (p.Leu363=)

Gene: B3GALNT2 (beta-1,3-N-acetylgalactosaminyltransferase 2; minus strand). Cytogenetic location: 1q42.3.
Variant type: single nucleotide variant.
Coding change: c.1089C>T on transcript NM_152490.5 (MANE Select); coding-DNA position 1089, C replaced by T.
Protein change: p.Leu363=; no amino-acid change (leucine 363 retained).
Molecular consequence: synonymous variant.
Genome position (GRCh38, 1-based): chr1:235,455,621, G>A on the plus strand (C>T on the coding strand, the complement: B3GALNT2 is on the minus strand). VCF-style: chr1-235455621-G-A. GRCh37 (hg19) VCF-style: chr1-235618933-G-A.
Identifiers: ClinVar variation 388011 (VCV000388011.32), dbSNP rs1057522976, ClinGen allele CA16603528.
Genomic context (GRCh38, chr1:235,455,621, plus strand): 5'-TCCCCACCAAAAATTAGGCCCATCCAGATTCTTTTGGACAATCCTATTAAATACAGCTTC[G>A]AGGTCTATGTAACAGTCATCATCTGTCTTCAGCAACAAATTGAAGCTCGTTGTTTCCACA-3'
Protein context (NP_689703.1, residues 353-373): LKTDDDCYID[Leu363=]EAVFNRIVQK

ClinVar aggregate classification (germline): Likely benign. Review status: criteria provided, multiple submitters, no conflicts (2 of 4 stars). 6 submissions from 6 submitters: Likely benign (5). 1 of the submissions does not count toward it. Last evaluated 2024-07-29.

Conditions:
B3GALNT2-related disorder. Also called: B3GALNT2-related condition.
Muscular dystrophy-dystroglycanopathy (congenital with brain and eye anomalies), type a, 11 (MDDGA11). Also called: WALKER-WARBURG SYNDROME OR MUSCLE-EYE-BRAIN DISEASE, B3GALNT2-RELATED; Muscular dystrophy-dystroglycanopathy (congenital with brain and eye anomalies, type A, 11; Congenital muscular dystrophy-dystroglycanopathy with brain and eye anomalies, type A11. Identifiers: Orphanet 588, Orphanet 899, MedGen C3554638, MONDO:0014071, OMIM 615181.

Allele frequency attached by ClinVar (database versions not stated): gnomAD exomes 0.00001.

Submissions (6):

Labcorp Genetics (formerly Invitae), Labcorp
Classification: Likely benign for Muscular dystrophy-dystroglycanopathy (congenital with brain and eye anomalies), type a, 11. Last evaluated: 2024-07-29. Review status: criteria provided, single submitter. Criteria: Invitae Variant Classification Sherloc (09022015). Collection method: clinical testing. Allele origin: germline.

CeGaT Center for Human Genetics Tuebingen
Classification: Likely benign. Last evaluated: 2024-01-01. Review status: criteria provided, single submitter. Criteria: CeGaT Center For Human Genetics Tuebingen Variant Classification Criteria Version 2. Collection method: clinical testing. Allele origin: germline. Affected: yes. Observed: 1 variant allele.
Comment: B3GALNT2: BP4, BP7

Blueprint Genetics
Classification: Likely benign. Last evaluated: 2023-12-15. Review status: criteria provided, single submitter. Criteria: ACMG Guidelines, 2015. Collection method: clinical testing. Allele origin: germline.

GeneDx
Classification: Likely benign. Last evaluated: 2016-08-01. Review status: criteria provided, single submitter. Criteria: GeneDx Variant Classification (06012015). Collection method: clinical testing. Allele origin: germline. Affected: yes.
Comment: This variant is considered likely benign or benign based on one or more of the following criteria: it is a conservative change, it occurs at a poorly conserved position in the protein, it is predicted to be benign by multiple in silico algorithms, and/or has population frequency not consistent with disease.

Breakthrough Genomics
Classification: Likely benign. Review status: criteria provided, single submitter. Criteria: ACMG Guidelines, 2015. Collection method: not provided. Allele origin: germline. Inheritance: Autosomal recessive inheritance. Affected: yes.

PreventionGenetics, part of Exact Sciences
Classification: Likely benign for B3GALNT2-related condition. Last evaluated: 2019-03-25. Review status: no assertion criteria provided. Collection method: clinical testing. Allele origin: germline. Not counted in ClinVar's aggregate classification.
Comment: This variant is classified as likely benign based on ACMG/AMP sequence variant interpretation guidelines (Richards et al. 2015 PMID: 25741868, with internal and published modifications).